The following is an entry in ClinVar:

NM_001148.6(ANK2):c.7522C>T (p.Arg2508Trp)

Genes: ANK2 (ankyrin 2; plus strand), LOC126807137 (CDK7 strongly-dependent group 2 enhancer GRCh37_chr4:114276560-114277759; plus strand). Cytogenetic location: 4q26.
Variant type: single nucleotide variant.
Coding change: c.7522C>T on transcript NM_001148.6 (MANE Select); coding-DNA position 7522, C replaced by T.
Protein change: p.Arg2508Trp; replaces arginine 2508 with tryptophan.
Molecular consequence: missense variant. On other transcripts: intron variant (68).
Genome position (GRCh38, 1-based): chr4:113,356,140, C>T. VCF-style: chr4-113356140-C-T. GRCh37 (hg19) VCF-style: chr4-114277296-C-T.
Other names: c.7288C>T, p.Arg2430Trp (NM_001386142.1); c.3922C>T, p.Arg1308Trp (NM_001386166.1); c.7663C>T, p.Arg2555Trp (NM_001386174.1); c.7639C>T, p.Arg2547Trp (NM_001386175.1); c.4412-4683C>T (NM_001386186.2, NM_001386148.2); c.4214-4683C>T (NM_001354269.3); c.4292-4683C>T (NM_001386187.2); c.4253-4683C>T (NM_001386147.1); and 35 more; short protein forms R1308W, R2430W, R2508W, R2547W, R2555W.
Identifiers: ClinVar variation 1710852 (VCV001710852.2), dbSNP rs755275459, ClinGen allele CA3051605.

ClinVar aggregate classification (germline): Uncertain significance (1 of 4 stars; one submission).

Allele frequency attached by ClinVar (database versions not stated): ExAC 0.00001; gnomAD 0.00003; TOPMed 0.00003.
gnomAD v4.1: 13 of 1,613,944 alleles (0.00081%); highest among the groups gnomAD compares: African/African-American, 0.0053%; no homozygotes.

Submission:

GeneDx
Classification: Uncertain significance. Last evaluated: 2022-04-12. Review status: criteria provided, single submitter. Criteria: GeneDx Variant Classification Process June 2021. Collection method: clinical testing. Allele origin: germline. Affected: yes.
Comment: Not observed at significant frequency in large population cohorts (gnomAD); In silico analysis supports that this missense variant has a deleterious effect on protein structure/function; Has not been previously published as pathogenic or benign to our knowledge; Located in exon 38, which is reported as being expressed in a brain-specific transcript (Otto et al, 1991; Cunha et al, 2008; Wu et al, 2015); This variant is associated with the following publications: (PMID: 1830053, 18790697, 26109584)